The following is an entry in ClinVar:

ClinVar aggregate classification (germline): Pathogenic (1 of 4 stars; one submission).

Submissions (2):

GeneDx
Classification: Pathogenic. Last evaluated: 2022-09-21. Review status: criteria provided, single submitter. Criteria: GeneDx Variant Classification Process June 2021. Collection method: clinical testing. Allele origin: germline. Affected: yes.
Comment: Not observed in large population cohorts (gnomAD); Missense variants in this gene are often considered pathogenic (HGMD); In silico analysis supports that this missense variant has a deleterious effect on protein structure/function; In silico analysis suggests this variant may impact gene splicing. In the absence of RNA/functional studies, the actual effect of this sequence change is unknown.; Has not been previously published as pathogenic or benign to our knowledge

Dr. Peter K. Rogan Lab, Western University
No classification provided (evidence only). Condition: Malignant tumor of urinary bladder. Review status: no classification provided. Collection method: in vitro. Allele origin: not applicable. Functional consequence: retained intron. Not counted in ClinVar's aggregate classification.

NM_006009.4(TUBA1A):c.268G>C (p.Glu90Gln)

Gene: TUBA1A (tubulin alpha 1a; minus strand). Cytogenetic location: 12q13.12.
Variant type: single nucleotide variant.
Coding change: c.268G>C on transcript NM_006009.4 (MANE Select); coding-DNA position 268, G replaced by C.
Protein change: p.Glu90Gln; replaces glutamic acid 90 with glutamine.
Molecular consequence: missense variant.
Genome position (GRCh38, 1-based): chr12:49,186,417, C>G on the plus strand (G>C on the coding strand, the complement: TUBA1A is on the minus strand). VCF-style: chr12-49186417-C-G. GRCh37 (hg19) VCF-style: chr12-49580200-C-G.
Other names: NC_000012.11:g.49580200C>G; c.268G>C, p.Glu90Gln (NM_001270399.2); c.163G>C, p.Glu55Gln (NM_001270400.2); short protein forms E55Q, E90Q.
Identifiers: ClinVar variation 1211068 (VCV001211068.6), dbSNP rs1555162495, ClinGen allele CA384643567.
Genomic context (GRCh38, chr12:49,186,417, plus strand): 5'-TGGTGTAGTGCCCTCGGGCATAGTTATTGGCAGCATCTTCTTTGCCTGTGATAAGTTGCT[C>G]AGGGTGGAAGAGCTGGCGGTAGGTGCCAGTGCGAACTTCATCTGGAGAACATGATGGGGG-3'
Protein context (NP_006000.2, residues 80-100): TGTYRQLFHP[Glu90Gln]QLITGKEDAA